The following is an entry in ClinVar:

NM_153704.6(TMEM67):c.369C>T (p.Ala123=)

Gene: TMEM67 (transmembrane protein 67; plus strand). Cytogenetic location: 8q22.1.
Variant type: single nucleotide variant.
Coding change: c.369C>T on transcript NM_153704.6 (MANE Select); coding-DNA position 369, C replaced by T.
Protein change: p.Ala123=; no amino-acid change (alanine 123 retained).
Molecular consequence: synonymous variant. On other transcripts: 5 prime UTR variant (1), non-coding transcript variant (1).
Genome position (GRCh38, 1-based): chr8:93,758,539, C>T. VCF-style: chr8-93758539-C-T. GRCh37 (hg19) VCF-style: chr8-94770767-C-T.
Other names: c.-9C>T (NM_001142301.1).
Identifiers: ClinVar variation 286625 (VCV000286625.48), dbSNP rs115640152, ClinGen allele CA4807607.

ClinVar aggregate classification (germline): Conflicting classifications of pathogenicity. Review status: criteria provided, conflicting classifications (1 of 4 stars). 10 submissions from 8 submitters: Uncertain significance (4); Benign (1); Likely benign (3). 2 of the submissions do not count toward it. Last evaluated 2026-01-26.

Conditions:
Inborn genetic diseases. Identifiers: MedGen C0950123, MeSH D030342.
Meckel-Gruber syndrome. Also called: GRUBER SYNDROME; DYSENCEPHALIA SPLANCHNOCYSTICA; Dysencephalia splachnocystica. Identifiers: Orphanet 564, MedGen C0265215, MONDO:0018921.
Joubert syndrome. Also called: Familial aplasia of the vermis; JOUBERT-BOLTSHAUSER SYNDROME. Identifiers: Orphanet 475, MedGen C5979921, MONDO:0018772.
Meckel syndrome, type 3 (MKS3). Also called: MECKEL-GRUBER SYNDROME, TYPE 3. Identifiers: Orphanet 564, MedGen C1846357, MONDO:0011821, OMIM 607361.
Joubert syndrome 6 (JBTS6). Identifiers: Orphanet 475, MedGen C1853153, MONDO:0012539, OMIM 610688.
Nephronophthisis 11 (NPHP11). Identifiers: Orphanet 84081, MedGen C3150796, MONDO:0013302, OMIM 613550.

Allele frequency attached by ClinVar (database versions not stated): 1000 Genomes Project 30x 0.00031; 1000 Genomes Project 0.00040; TOPMed 0.00040; gnomAD 0.00043 and 0.00046; ExAC 0.00045; gnomAD exomes 0.00045; ESP Exome Variant Server 0.00046.
gnomAD v4.1: 834 of 1,613,698 alleles (0.052%); highest among the groups gnomAD compares: Middle Eastern, 0.4%; 2 homozygotes.

Submissions (10):

Labcorp Genetics (formerly Invitae), Labcorp
Classification: Benign for Joubert syndrome; Meckel-Gruber syndrome. Last evaluated: 2026-01-26. Review status: criteria provided, single submitter. Criteria: Invitae Variant Classification Sherloc (09022015). Collection method: clinical testing. Allele origin: germline.

CeGaT Center for Human Genetics Tuebingen
Classification: Likely benign. Last evaluated: 2025-11-01. Review status: criteria provided, single submitter. Criteria: CeGaT Center For Human Genetics Tuebingen Variant Classification Criteria Version 2. Collection method: clinical testing. Allele origin: germline. Affected: yes. Observed: 7 variant alleles.
Comment: TMEM67: BP4, BP7

Ambry Genetics
Classification: Likely benign for Inborn genetic diseases. Last evaluated: 2024-11-24. Review status: criteria provided, single submitter. Criteria: Ambry Variant Classification Scheme 2023. Collection method: clinical testing. Allele origin: germline.

Blueprint Genetics
Classification: Likely benign. Last evaluated: 2024-11-07. Review status: criteria provided, single submitter. Criteria: ACMG Guidelines, 2015. Collection method: clinical testing. Allele origin: germline.

Eurofins Ntd Llc (ga)
Classification: Uncertain significance. Last evaluated: 2018-08-02. Review status: criteria provided, single submitter. Criteria: EGL ClinVar v180209 classification definitions. Collection method: clinical testing. Allele origin: germline. Observed: 3 variant alleles, 3 heterozygotes.

Illumina Laboratory Services, Illumina
Classification: Uncertain significance for Nephronophthisis 11. Last evaluated: 2018-01-12. Review status: criteria provided, single submitter. Criteria: ICSL Variant Classification Criteria 13 December 2019. Collection method: clinical testing. Allele origin: germline.

Illumina Laboratory Services, Illumina
Classification: Uncertain significance for Meckel syndrome, type 3. Last evaluated: 2018-01-12. Review status: criteria provided, single submitter. Criteria: ICSL Variant Classification Criteria 13 December 2019. Collection method: clinical testing. Allele origin: germline.

Illumina Laboratory Services, Illumina
Classification: Uncertain significance for Joubert syndrome 6. Last evaluated: 2018-01-12. Review status: criteria provided, single submitter. Criteria: ICSL Variant Classification Criteria 13 December 2019. Collection method: clinical testing. Allele origin: germline.

Clinical Genetics DNA and cytogenetics Diagnostics Lab, Erasmus MC, Erasmus Medical Center
Classification: Likely benign. Review status: no assertion criteria provided. Collection method: clinical testing. Allele origin: germline. Affected: yes. Study: VKGL Data-share Consensus. Not counted in ClinVar's aggregate classification.

Clinical Genetics, Academic Medical Center
Classification: Benign. Review status: no assertion criteria provided. Collection method: clinical testing. Allele origin: germline. Affected: yes. Study: VKGL Data-share Consensus. Not counted in ClinVar's aggregate classification.